The following is an entry in ClinVar:

NM_001371986.1(UNC80):c.6166G>T (p.Ala2056Ser)

Gene: UNC80 (unc-80 subunit of NALCN channel complex; plus strand). Cytogenetic location: 2q34.
Variant type: single nucleotide variant.
Coding change: c.6166G>T on transcript NM_001371986.1 (MANE Select); coding-DNA position 6166, G replaced by T.
Protein change: p.Ala2056Ser; replaces alanine 2056 with serine.
Molecular consequence: missense variant.
Genome position (GRCh38, 1-based): chr2:209,933,993, G>T. VCF-style: chr2-209933993-G-T. GRCh37 (hg19) VCF-style: chr2-210798717-G-T.
Other names: c.5968G>T, p.Ala1990Ser (NM_032504.2); c.5953G>T, p.Ala1985Ser (NM_182587.4); short protein forms A1990S, A2056S, A1985S.
Identifiers: ClinVar variation 2124133 (VCV002124133.4), dbSNP rs529074205, ClinGen allele CA350769431.
Genomic context (GRCh38, chr2:209,933,993, plus strand): 5'-TTCAAGGATCTCAAGCAGACGATGAAGAAGGAGCAGTGTGAGGTGAAGCTCCTGGTGACC[G>T]CTTCAATGCCAGGTAAGCCACTACTACTTTTTAGTAACATAACTTTAAAAAAAAATTATA-3'
Protein context (NP_001358915.1, residues 2046-2066): EQCEVKLLVT[Ala2056Ser]SMPGTKTLVV

ClinVar aggregate classification (germline): Uncertain significance (1 of 4 stars; one submission).

Submission:

Labcorp Genetics (formerly Invitae), Labcorp
Classification: Uncertain significance. Last evaluated: 2022-04-20. Review status: criteria provided, single submitter. Criteria: Invitae Variant Classification Sherloc (09022015). Collection method: clinical testing. Allele origin: germline.
Comment: This variant has not been reported in the literature in individuals affected with UNC80-related conditions. This variant is not present in population databases (gnomAD no frequency). This sequence change replaces alanine, which is neutral and non-polar, with serine, which is neutral and polar, at codon 1990 of the UNC80 protein (p.Ala1990Ser). Algorithms developed to predict the effect of missense changes on protein structure and function are either unavailable or do not agree on the potential impact of this missense change (SIFT: "Not Available"; PolyPhen-2: "Probably Damaging"; Align-GVGD: "Not Available"). In summary, the available evidence is currently insufficient to determine the role of this variant in disease. Therefore, it has been classified as a Variant of Uncertain Significance.